The following is an entry in ClinVar:

NC_000015.9:g.(?_99491783)_(99505828_?)del

Gene: IGF1R (insulin like growth factor 1 receptor; plus strand). Cytogenetic location: 15q26.3.
Variant type: Deletion.
Identifiers: ClinVar variation 3243862 (VCV003243862.1).

ClinVar aggregate classification (germline): Uncertain significance (1 of 4 stars; one submission).

Submission:

Labcorp Genetics (formerly Invitae), Labcorp
Classification: Uncertain significance. Last evaluated: 2024-01-29. Review status: criteria provided, single submitter. Criteria: Invitae Variant Classification Sherloc (09022015). Collection method: clinical testing. Allele origin: unknown.
Comment: This variant is a gross deletion of the genomic region encompassing exon(s) 20-21 of the IGF1R gene, which includes the termination codon. This deletion extends beyond the assayed region for this gene and therefore may encompass additional genes. While this deletion is not anticipated to lead to nonsense mediated decay, it is expected to alter mRNA translation or result in a truncated protein product. This variant has not been reported in the literature in individuals affected with IGF1R-related conditions. In summary, the available evidence is currently insufficient to determine the role of this variant in disease. Therefore, it has been classified as a Variant of Uncertain Significance.